The following is an entry in ClinVar:

NM_000492.4(CFTR):c.3873+1G>A

Genes: CFTR (CF transmembrane conductance regulator; plus strand), CFTR-AS2 (CFTR antisense RNA 2; minus strand). Cytogenetic location: 7q31.2.
Variant type: single nucleotide variant.
Coding change: c.3873+1G>A on transcript NM_000492.4 (MANE Select); the canonical splice donor site of the intron after coding-DNA position 3873, G replaced by A.
Molecular consequence: splice donor variant.
Genome position (GRCh38, 1-based): chr7:117,642,594, G>A. VCF-style: chr7-117642594-G-A. GRCh37 (hg19) VCF-style: chr7-117282648-G-A.
Other names: 4005+1G->A; IVS20, G-A, +1.
Identifiers: ClinVar variation 7160 (VCV000007160.20), dbSNP rs143570767, ClinGen allele CA325556.

ClinVar aggregate classification (germline): Pathogenic. Review status: reviewed by expert panel (3 of 4 stars). 11 submissions from 11 submitters: Pathogenic (1). 10 of the submissions do not count toward it. Last evaluated 2017-03-17.

Conditions:
CFTR-related disorder (CFTR-RD). Also called: CFTR-related condition; CFTR-related disorders. Identifiers: MedGen C5924204, MONDO:7770004.
Cystic fibrosis (CF). Also called: MUCOVISCIDOSIS. Identifiers: Orphanet 586, MedGen C0010674, MONDO:0009061, OMIM 219700. Disease mechanism: loss of function.
Congenital bilateral aplasia of vas deferens from CFTR mutation (CBAVD). Identifiers: Orphanet 48, MedGen C0403814, MONDO:0010178, OMIM 277180. Disease mechanism: loss of function.
Hereditary pancreatitis (PCTT). Also called: Hereditary chronic pancreatitis; PRSS1-Related Hereditary Pancreatitis. Identifiers: Orphanet 676, MedGen C0238339, MONDO:0008185, OMIM 167800.
Bronchiectasis with or without elevated sweat chloride 1 (BESC1). Also called: Cystic Fibrosis-Like Syndrome. Identifiers: Orphanet 60033, MedGen C2749757, MONDO:0008887, OMIM 211400.

Allele frequency attached by ClinVar (database versions not stated): gnomAD exomes 0.00001; ESP Exome Variant Server 0.00008.
gnomAD v4.1: 3 of 1,613,182 alleles (0.00019%); highest among the groups gnomAD compares: Admixed American, 0.0017%; no homozygotes.

Submissions (11):

CFTR2
Classification: Pathogenic for Cystic fibrosis. Last evaluated: 2017-03-17. Review status: reviewed by expert panel. Criteria: Sosnay PR et al. (Nat Genet 2013). Collection method: research. Allele origin: germline. Affected: yes. Study: CFTR2.

Natera, Inc.
Classification: Pathogenic for CFTR-related disorders. Last evaluated: 2025-08-11. Review status: criteria provided, single submitter. Criteria: Natera Variant Classification Schema (03/2026). Collection method: clinical testing. Allele origin: germline. Not counted in ClinVar's aggregate classification.
Comment: The c.3873+1G>A variant in CFTR is a canonical splice donor site variant predicted to affect pre-mRNA splicing, which may result in an abnormal transcript and altered protein product. This variant is expected to result in nonsense mediated decay, truncation, or a dysfunctional protein product. This variant is rare in the general population with a frequency below the threshold expected for the associated phenotype(s). This variant has been observed in one or more individuals affected with the associated recessive disease, as either homozygous or compound heterozygous with a second variant (PMID: 16436643, 38937105). Functional studies show that this variant may disrupt protein function (PMID: 29750258). Given the available evidence, this variant is classified as Pathogenic.

Dasa
Classification: Pathogenic. Last evaluated: 2025-06-02. Review status: criteria provided, single submitter. Criteria: DASA Assertion Criteria. Collection method: clinical testing. Allele origin: germline. Not counted in ClinVar's aggregate classification.
Comment: NM_000492.4(CFTR):c.3873+1G>A introduces a premature termination codon predicted to result in loss of normal protein function. Loss-of-function is an established mechanism of disease for this gene. This variant results in the same amino acid change as a previously established pathogenic variant. This variant has been recurrently observed in individuals with related phenotype (PMID: 1284639; PMID: 23974870). The variant is present at low frequency in population datasets. Based on the available data, this variant is classified as pathogenic.

Labcorp Genetics (formerly Invitae), Labcorp
Classification: Pathogenic for Cystic fibrosis. Last evaluated: 2023-11-25. Review status: criteria provided, single submitter. Criteria: Invitae Variant Classification Sherloc (09022015). Collection method: clinical testing. Allele origin: germline. Not counted in ClinVar's aggregate classification.
Comment: This sequence change affects a donor splice site in intron 23 of the CFTR gene. It is expected to disrupt RNA splicing. Variants that disrupt the donor or acceptor splice site typically lead to a loss of protein function (PMID: 16199547), and loss-of-function variants in CFTR are known to be pathogenic (PMID: 1695717, 7691345, 9725922). This variant is not present in population databases (gnomAD no frequency). Disruption of this splice site has been observed in individuals with CFTR-related conditions (PMID: 1284639, 19318346, 23974870, 26348465, 28603918). This variant is also known as 4005+1G>A. ClinVar contains an entry for this variant (Variation ID: 7160). Algorithms developed to predict the effect of sequence changes on RNA splicing suggest that this variant may disrupt the consensus splice site. For these reasons, this variant has been classified as Pathogenic.

ARUP Laboratories, Molecular Genetics and Genomics, ARUP Laboratories
Classification: Pathogenic. Last evaluated: 2023-10-16. Review status: criteria provided, single submitter. Criteria: ARUP Molecular Germline Variant Investigation Process 2024. Collection method: clinical testing. Allele origin: germline. Not counted in ClinVar's aggregate classification.
Comment: The CFTR c.3873+1G>A variant (rs143570767), also known as c.4005+1G>A in traditional nomenclature, is reported in the literature in the compound heterozygous state with other pathogenic variants in individuals affected with cystic fibrosis (Beauchamp 2019, Raraigh 2022, Sosnay 2013). This variant is reported in ClinVar (Variation ID: 7160) and is absent from the Genome Aggregation Database, indicating it is not a common polymorphism. This variant disrupts the canonical splice donor site of intron 23, which is likely to negatively impact gene function. Based on available information, this variant is considered to be pathogenic. References: Beauchamp KA, et al. Sequencing as a first-line methodology for cystic fibrosis carrier screening. Genet Med. 2019. PMID: 31036917 Raraigh KS, et al. Complete CFTR gene sequencing in 5,058 individuals with cystic fibrosis informs variant-specific treatment. J Cyst Fibros. 2022. PMID: 34782259. Sosnay PR, et al. Defining the disease liability of variants in the cystic fibrosis transmembrane conductance regulator gene. Nat Genet. 2013. PMID: 23974870.

Fulgent Genetics
Classification: Pathogenic for Hereditary pancreatitis; Bronchiectasis with or without elevated sweat chloride 1; Cystic fibrosis; Congenital bilateral aplasia of vas deferens from CFTR mutation. Last evaluated: 2021-08-19. Review status: criteria provided, single submitter. Criteria: ACMG Guidelines, 2015. Collection method: clinical testing. Allele origin: unknown. Not counted in ClinVar's aggregate classification.

Mendelics
Classification: Pathogenic for Cystic fibrosis. Last evaluated: 2018-11-05. Review status: criteria provided, single submitter. Criteria: Mendelics Assertion Criteria 2017. Collection method: clinical testing. Allele origin: unknown. Affected: yes. Not counted in ClinVar's aggregate classification.

CFTR-France
Classification: Pathogenic for cystic fibrosis. Last evaluated: 2018-01-29. Review status: criteria provided, single submitter. Criteria: Claustres M et al. (Hum Mutat 2017). Collection method: curation. Allele origin: germline. Affected: yes. Not counted in ClinVar's aggregate classification.

Baylor Genetics
Classification: Pathogenic for Congenital bilateral aplasia of vas deferens from CFTR mutation; Cystic fibrosis. Review status: criteria provided, single submitter. Criteria: ACMG Guidelines, 2015. Collection method: clinical testing. Allele origin: germline. Not counted in ClinVar's aggregate classification.

Counsyl
Classification: Pathogenic for Cystic fibrosis. Last evaluated: 2017-08-22. Review status: no assertion criteria provided. Collection method: clinical testing. Allele origin: unknown. Not counted in ClinVar's aggregate classification.

OMIM
Classification: Pathogenic for CYSTIC FIBROSIS. Last evaluated: 1992-06-01. Review status: no assertion criteria provided. Collection method: literature only. Allele origin: germline. Not counted in ClinVar's aggregate classification.

Literature cited by the submitters: PubMed 16436643 (cited by Natera, Inc.); PubMed 38937105 (cited by Natera, Inc.); PubMed 29750258 (cited by Natera, Inc.); PubMed 1284639 (cited by 3 submitters); PubMed 23974870 (cited by Dasa and Labcorp Genetics (formerly Invitae), Labcorp); PubMed 16199547 (cited by Labcorp Genetics (formerly Invitae), Labcorp); PubMed 1695717 (cited by Labcorp Genetics (formerly Invitae), Labcorp); PubMed 7691345 (cited by Labcorp Genetics (formerly Invitae), Labcorp); PubMed 9725922 (cited by Labcorp Genetics (formerly Invitae), Labcorp); PubMed 19318346 (cited by Labcorp Genetics (formerly Invitae), Labcorp); PubMed 26348465 (cited by Labcorp Genetics (formerly Invitae), Labcorp); PubMed 28603918 (cited by Labcorp Genetics (formerly Invitae), Labcorp).